The following is an entry in ClinVar:

ClinVar aggregate classification (germline): Uncertain significance (1 of 4 stars; one submission).

Conditions:
Joubert syndrome. Also called: CEREBELLOPARENCHYMAL DISORDER IV; JOUBERT-BOLTSHAUSER SYNDROME; Familial aplasia of the vermis. Identifiers: Orphanet 475, MedGen C5979921, MONDO:0018772.

Allele frequency attached by ClinVar (database versions not stated): gnomAD exomes below 0.00001.
gnomAD v4.1: 2 of 1,613,938 alleles (0.00012%); highest among the groups gnomAD compares: Non-Finnish European, 0.00017%; no homozygotes.

Submission:

Labcorp Genetics (formerly Invitae), Labcorp
Classification: Uncertain significance for Joubert syndrome. Last evaluated: 2021-12-24. Review status: criteria provided, single submitter. Criteria: Invitae Variant Classification Sherloc (09022015). Collection method: clinical testing. Allele origin: germline.
Comment: This variant has not been reported in the literature in individuals affected with AHI1-related conditions. This sequence change replaces asparagine, which is neutral and polar, with aspartic acid, which is acidic and polar, at codon 126 of the AHI1 protein (p.Asn126Asp). This variant is present in population databases (no rsID available, gnomAD 0.0009%). Advanced modeling of protein sequence and biophysical properties (such as structural, functional, and spatial information, amino acid conservation, physicochemical variation, residue mobility, and thermodynamic stability) performed at Invitae indicates that this missense variant is not expected to disrupt AHI1 protein function. In summary, the available evidence is currently insufficient to determine the role of this variant in disease. Therefore, it has been classified as a Variant of Uncertain Significance.

NM_001134831.2(AHI1):c.376A>G (p.Asn126Asp)

Gene: AHI1 (Abelson helper integration site 1; minus strand). Cytogenetic location: 6q23.3.
Variant type: single nucleotide variant.
Coding change: c.376A>G on transcript NM_001134831.2 (MANE Select); coding-DNA position 376, A replaced by G.
Protein change: p.Asn126Asp; replaces asparagine 126 with aspartic acid.
Molecular consequence: missense variant.
Genome position (GRCh38, 1-based): chr6:135,466,187, T>C on the plus strand (A>G on the coding strand, the complement: AHI1 is on the minus strand). VCF-style: chr6-135466187-T-C. GRCh37 (hg19) VCF-style: chr6-135787325-T-C.
Other names: c.376A>G, p.Asn126Asp (NM_001134830.2, NM_001134832.2, NM_001350503.2 and 2 more transcripts); short protein forms N126D.
Identifiers: ClinVar variation 2039356 (VCV002039356.4), dbSNP rs1457084807, ClinGen allele CA365751805.